The following is an entry in ClinVar:

ClinVar aggregate classification (germline): Pathogenic/Likely pathogenic. Review status: criteria provided, multiple submitters, no conflicts (2 of 4 stars). 3 submissions from 3 submitters: Pathogenic (2); Likely pathogenic (1). Last evaluated 2025-12-02.

Conditions:
Geroderma osteodysplastica (GO). Also called: WALT DISNEY DWARFISM; Geroderma osteodysplasticum. Identifiers: Orphanet 2078, MedGen C0432255, MONDO:0009271, OMIM 231070.

Submissions (3):

Labcorp Genetics (formerly Invitae), Labcorp
Classification: Pathogenic. Last evaluated: 2025-12-02. Review status: criteria provided, single submitter. Criteria: Invitae Variant Classification Sherloc (09022015). Collection method: clinical testing. Allele origin: germline.
Comment: This sequence change creates a premature translational stop signal (p.Pro111Argfs*70) in the GORAB gene. It is expected to result in an absent or disrupted protein product. Loss-of-function variants in GORAB are known to be pathogenic (PMID: 18997784, 19681135). This variant is present in population databases (rs747376663, gnomAD 0.004%). This premature translational stop signal has been observed in individual(s) with gerodermia osteodysplastica (PMID: 18997784). This variant is also known as p.Pro86Argfs*70. ClinVar contains an entry for this variant (Variation ID: 2734028). For these reasons, this variant has been classified as Pathogenic.

Fulgent Genetics
Classification: Pathogenic for Geroderma osteodysplastica. Last evaluated: 2024-06-04. Review status: criteria provided, single submitter. Criteria: ACMG Guidelines, 2015. Collection method: clinical testing. Allele origin: germline.

Department of Pathology and Laboratory Medicine, Sinai Health System
Classification: Likely pathogenic for geroderma osteodysplastica. Last evaluated: 2023-04-17. Review status: criteria provided, single submitter. Criteria: ACMG Guidelines, 2015. Collection method: research. Allele origin: germline.

Literature cited by the submitters: PubMed 18997784 (cited by Labcorp Genetics (formerly Invitae), Labcorp); PubMed 19681135 (cited by Labcorp Genetics (formerly Invitae), Labcorp).

NM_152281.3(GORAB):c.257del (p.Pro86fs)

Gene: GORAB (golgin, RAB6 interacting; plus strand). Cytogenetic location: 1q24.2.
Variant type: Deletion.
Coding change: c.257del on transcript NM_152281.3 (MANE Select); coding-DNA position 257, one base deleted (C; older notation c.257delC).
Protein change: p.Pro86fs; shifts the reading frame from proline 86.
Molecular consequence: frameshift variant. On other transcripts: 5 prime UTR variant (1), non-coding transcript variant (1).
Genome position (GRCh38, 1-based): chr1:170,539,405, C deleted; the last of 2 consecutive C bases (chr1:170,539,404-170,539,405); deleting either gives the same sequence. VCF-style (leftmost placement, unchanged base first): chr1-170539403-TC-T. GRCh37 (hg19) VCF-style: chr1-170508544-TC-T.
Other names: c.257del, p.Pro86fs (NM_001146039.2); c.-209del (NM_001320252.2); c.206del, p.Pro69fs (NM_001410894.1); short protein forms P86fs, P69fs.
Identifiers: ClinVar variation 2734028 (VCV002734028.5), dbSNP rs747376663, ClinGen allele CA1239071.
Genomic context (GRCh38, chr1:170,539,403, plus strand): 5'-GCTTTCAGCACCAAAACAGAGAGTTAACGTTCAAAAACCACCTTTTTCTTCCCCTACTCT[TC>T]CGAGTCATTTCACTCTCACCTCCCCCGTTGGTGATGGACAACCACAGGGCATTGAAAGTC-3'